The following is an entry in ClinVar:

ClinVar aggregate classification (germline): Conflicting classifications of pathogenicity. Review status: criteria provided, conflicting classifications (1 of 4 stars). 2 submissions from 2 submitters: Uncertain significance (1); Likely benign (1). Last evaluated 2025-04-08.

Conditions:
Ehlers-Danlos syndrome, classic type, 1 (EDSCL1). Also called: EDS I; EHLERS-DANLOS SYNDROME, GRAVIS TYPE; EHLERS-DANLOS SYNDROME, SEVERE CLASSIC TYPE; Ehlers-Danlos Syndrome, Classic Type, COL5A1-Related; Ehlers-Danlos syndrome, type 1. Identifiers: MedGen C0268335, MONDO:0019567, OMIM 130000.
Familial thoracic aortic aneurysm and aortic dissection (TAAD). Also called: Thoracic aortic aneurysms and dissections. Identifiers: Orphanet 91387, MedGen C4707243, MONDO:0019625.

Allele frequency attached by ClinVar (database versions not stated): gnomAD exomes 0.00001 and 0.00002; gnomAD 0.00002; ESP Exome Variant Server 0.00008; ExAC 0.00002; TOPMed 0.00004.
gnomAD v4.1: 18 of 1,612,692 alleles (0.0011%); highest among the groups gnomAD compares: African/African-American, 0.008%; no homozygotes.

Submissions (2):

Ambry Genetics
Classification: Uncertain significance for Familial thoracic aortic aneurysm and aortic dissection. Last evaluated: 2025-04-08. Review status: criteria provided, single submitter. Criteria: Ambry Variant Classification Scheme 2023. Collection method: clinical testing. Allele origin: germline.
Comment: The p.P1647L variant (also known as c.4940C>T), located in coding exon 62 of the COL5A1 gene, results from a C to T substitution at nucleotide position 4940. The proline at codon 1647 is replaced by leucine, an amino acid with similar properties. This amino acid position is highly conserved in available vertebrate species. In addition, the in silico prediction for this alteration is inconclusive. Based on the available evidence, the clinical significance of this variant remains unclear.

Labcorp Genetics (formerly Invitae), Labcorp
Classification: Likely benign for Ehlers-Danlos syndrome, classic type, 1. Last evaluated: 2023-10-04. Review status: criteria provided, single submitter. Criteria: Invitae Variant Classification Sherloc (09022015). Collection method: clinical testing. Allele origin: germline.

NM_000093.5(COL5A1):c.4940C>T (p.Pro1647Leu)

Genes: COL5A1 (collagen type V alpha 1 chain; plus strand), LOC101448202 (uncharacterized LOC101448202; minus strand). Cytogenetic location: 9q34.3.
Variant type: single nucleotide variant.
Coding change: c.4940C>T on transcript NM_000093.5 (MANE Select); coding-DNA position 4940, C replaced by T.
Protein change: p.Pro1647Leu; replaces proline 1647 with leucine.
Molecular consequence: missense variant.
Genome position (GRCh38, 1-based): chr9:134,824,841, C>T. VCF-style: chr9-134824841-C-T. GRCh37 (hg19) VCF-style: chr9-137716687-C-T.
Other names: c.4940C>T, p.Pro1647Leu (NM_001278074.1); c.4940C>T (NM_000093.3); short protein forms P1647L.
Identifiers: ClinVar variation 652710 (VCV000652710.11), dbSNP rs140669047, ClinGen allele CA5320502.